The following is an entry in ClinVar:

ClinVar aggregate classification (germline): Likely pathogenic (1 of 4 stars; one submission).

Conditions:
Primary ciliary dyskinesia. Also called: Ciliary dyskinesia. Identifiers: Orphanet 244, MedGen C0008780, MONDO:0016575, HP:0012265.

Submission:

Labcorp Genetics (formerly Invitae), Labcorp
Classification: Likely pathogenic for Primary ciliary dyskinesia. Last evaluated: 2020-05-25. Review status: criteria provided, single submitter. Criteria: Invitae Variant Classification Sherloc (09022015). Collection method: clinical testing. Allele origin: germline.
Comment: This sequence change affects a donor splice site in intron 64 of the DNAH5 gene. It is expected to disrupt RNA splicing and likely results in an absent or disrupted protein product. In summary, the currently available evidence indicates that the variant is pathogenic, but additional data are needed to prove that conclusively. Therefore, this variant has been classified as Likely Pathogenic. Donor and acceptor splice site variants typically lead to a loss of protein function (PMID: 16199547), and loss-of-function variants in DNAH5 are known to be pathogenic (PMID: 11788826, 16627867). Algorithms developed to predict the effect of sequence changes on RNA splicing suggest that this variant may disrupt the consensus splice site, but this prediction has not been confirmed by published transcriptional studies. This variant has not been reported in the literature in individuals with DNAH5-related conditions. This variant is not present in population databases (ExAC no frequency).

Literature cited by the submitters: PubMed 16199547; PubMed 11788826; PubMed 16627867.

NM_001369.3(DNAH5):c.11028+1G>C

Gene: DNAH5 (dynein axonemal heavy chain 5; minus strand). Cytogenetic location: 5p15.2.
Variant type: single nucleotide variant.
Coding change: c.11028+1G>C on transcript NM_001369.3 (MANE Select); the canonical splice donor site of the intron after coding-DNA position 11028, G replaced by C.
Molecular consequence: splice donor variant.
Genome position (GRCh38, 1-based): chr5:13,752,133, C>G on the plus strand (G>C on the coding strand, the complement: DNAH5 is on the minus strand). VCF-style: chr5-13752133-C-G. GRCh37 (hg19) VCF-style: chr5-13752242-C-G.
Identifiers: ClinVar variation 1067363 (VCV001067363.7), dbSNP rs2126694391, ClinGen allele CA359189609.
Genomic context (GRCh38, chr5:13,752,133, plus strand): 5'-TCACATTGACCTGGCCTCATGGTAATTGTTCTGCACATTGTCATCCATAGGTTTAACCTA[C>G]CTTAAAGGTAGACCCAGTTTTAATGAAGTTTCTTTCCAAAACATTATCTAGTGCTGGATC-3'